The following is an entry in ClinVar:

NM_031935.3(HMCN1):c.4622C>T (p.Thr1541Ile)

Gene: HMCN1 (hemicentin 1; plus strand). Cytogenetic location: 1q31.1.
Variant type: single nucleotide variant.
Coding change: c.4622C>T on transcript NM_031935.3 (MANE Select); coding-DNA position 4622, C replaced by T.
Protein change: p.Thr1541Ile; replaces threonine 1541 with isoleucine.
Molecular consequence: missense variant.
Genome position (GRCh38, 1-based): chr1:186,007,274, C>T. VCF-style: chr1-186007274-C-T. GRCh37 (hg19) VCF-style: chr1-185976406-C-T.
Other names: short protein forms T1541I.
Identifiers: ClinVar variation 3604754 (VCV003604754.2).

ClinVar aggregate classification (germline): Uncertain significance (1 of 4 stars; one submission).

gnomAD v4.1: 3 of 1,613,356 alleles (0.00019%); highest among the groups gnomAD compares: African/African-American, 0.004%; no homozygotes.

Submission:

Labcorp Genetics (formerly Invitae), Labcorp
Classification: Uncertain significance. Last evaluated: 2024-03-19. Review status: criteria provided, single submitter. Criteria: Invitae Variant Classification Sherloc (09022015). Collection method: clinical testing. Allele origin: germline.
Comment: This sequence change replaces threonine, which is neutral and polar, with isoleucine, which is neutral and non-polar, at codon 1541 of the HMCN1 protein (p.Thr1541Ile). This variant is present in population databases (rs776696232, gnomAD 0.007%). This variant has not been reported in the literature in individuals affected with HMCN1-related conditions. An algorithm developed to predict the effect of missense changes on protein structure and function (PolyPhen-2) suggests that this variant is likely to be disruptive. In summary, the available evidence is currently insufficient to determine the role of this variant in disease. Therefore, it has been classified as a Variant of Uncertain Significance.